The following is an entry in ClinVar:

NM_016239.4(MYO15A):c.4407T>C (p.Ser1469=)

Gene: MYO15A (myosin XVA; plus strand). Cytogenetic location: 17p11.2.
Variant type: single nucleotide variant.
Coding change: c.4407T>C on transcript NM_016239.4 (MANE Select); coding-DNA position 4407, T replaced by C.
Protein change: p.Ser1469=; no amino-acid change (serine 1469 retained).
Molecular consequence: synonymous variant.
Genome position (GRCh38, 1-based): chr17:18,133,311, T>C. VCF-style: chr17-18133311-T-C. GRCh37 (hg19) VCF-style: chr17-18036625-T-C.
Identifiers: ClinVar variation 227640 (VCV000227640.11), dbSNP rs202180744, ClinGen allele CA8423872.

ClinVar aggregate classification (germline): Likely benign. Review status: criteria provided, multiple submitters, no conflicts (2 of 4 stars). 4 submissions from 4 submitters: Likely benign (3). 1 of the submissions does not count toward it. Last evaluated 2026-02-02.

Conditions:
MYO15A-related disorder. Also called: MYO15A-related condition.

Allele frequency attached by ClinVar (database versions not stated): gnomAD exomes 0.00002 and 0.00001; 1000 Genomes Project 30x 0.00016; gnomAD 0.00018 and 0.00017; 1000 Genomes Project 0.00020; TOPMed 0.00016; ExAC 0.00003.
gnomAD v4.1: 46 of 1,614,198 alleles (0.0028%); highest among the groups gnomAD compares: African/African-American, 0.053%; no homozygotes.

Submissions (4):

Labcorp Genetics (formerly Invitae), Labcorp
Classification: Likely benign. Last evaluated: 2026-02-02. Review status: criteria provided, single submitter. Criteria: Invitae Variant Classification Sherloc (09022015). Collection method: clinical testing. Allele origin: germline.

GeneDx
Classification: Likely benign. Last evaluated: 2020-08-10. Review status: criteria provided, single submitter. Criteria: GeneDx Variant Classification Process June 2021. Collection method: clinical testing. Allele origin: germline. Affected: yes.

Laboratory for Molecular Medicine, Mass General Brigham Personalized Medicine
Classification: Likely benign. Last evaluated: 2015-07-30. Review status: criteria provided, single submitter. Criteria: LMM Criteria. Collection method: clinical testing. Allele origin: germline. Observed: 1 variant allele.
Comment: p.Ser1469Ser in exon 12 of MYO15A: This variant is not expected to have clinical significance because it does not alter an amino acid residue and is not located within the splice consensus sequence. It has been identified in 3/9684 African chromosomes by the Exome Aggregation Consortium (ExAC; dbSNP rs202180744).

PreventionGenetics, part of Exact Sciences
Classification: Likely benign for MYO15A-related condition. Last evaluated: 2019-03-12. Review status: no assertion criteria provided. Collection method: clinical testing. Allele origin: germline. Not counted in ClinVar's aggregate classification.
Comment: This variant is classified as likely benign based on ACMG/AMP sequence variant interpretation guidelines (Richards et al. 2015 PMID: 25741868, with internal and published modifications).